The following continues an entry in ClinVar:

NM_000256.3(MYBPC3):c.3330+2T>G

Gene: MYBPC3. ClinVar aggregate classification (germline): Pathogenic/Likely pathogenic. Pathogenic (18); Likely pathogenic (1).

Submissions 7 to 20 of 20:

All of Us Research Program, National Institutes of Health
Classification: Pathogenic for Hypertrophic cardiomyopathy. Last evaluated: 2023-06-08. Review status: criteria provided, single submitter. Criteria: ACMG Guidelines, 2015. Collection method: clinical testing. Allele origin: germline. Inheritance: Autosomal dominant inheritance. Observed: 1 variant allele, 1 heterozygote.
Comment: This variant causes a T to G nucleotide substitution at the +2 position of intron 30 of the MYBPC3 gene. Functional RNA studies have shown that this variant causes out-of-frame skipping of exon 30, resulting in premature protein truncation (PMID: 17937428, 18403758, 25031304). This variant has been reported in many individuals affected with hypertrophic cardiomyopathy and has been observed frequently in Amish communities (PMID: 17937428, 18403758, 18467358, 21835286, 25031304). A clinical evaluation of 41 Amish adult carriers has shown that while 6 carriers had features of hypertrophic cardiomyopathy or left ventricular hypertrophy, remaining 35 carriers were asymptomatic, suggesting that this variant causes a mild disease in heterozygosity or shows reduced penetrance (PMID: 21835286). In more than ten homozygous children, this variant was associated with severe hypertrophic cardiomyopathy (PMID: 17937428, 18467358). This variant has been identified in 1/31314 chromosomes in the general population by the Genome Aggregation Database (gnomAD). Loss of MYBPC3 function is a known mechanism of disease. Based on available evidence, this variant is classified as Pathogenic.

This study involves interpretation of variants in research participants for the purpose of population health screening. Participant phenotype was not available at the time of variant classification. Additional details can be found in publication PMID: 35346344, PMCID: PMC8962531

Illumina Laboratory Services, Illumina
Classification: Pathogenic for Hypertrophic cardiomyopathy 4. Last evaluated: 2023-02-17. Review status: criteria provided, single submitter. Criteria: ICSLVariantClassificationCriteria RUGD 01 April 2020. Collection method: clinical testing. Allele origin: unknown.
Comment: The MYBPC3 c.3330+2T>G variant results in the substitution of a thymine within the consensus splice donor site with a guanine, which may result in splicing defects. This variant has been reported in the literature in association with hypertrophic cardiomyopathy (HCM). At least 20 neonates from the Amish community affected with severe HCM were found to be homozygous for this variant, and were shown to have inherited the variant from parents who carried the variant in a heterozygous state (PMID: 17937428; PMID: 18467358). In addition, nine individuals from three families affected with HCM were heterozygous for the variant with incomplete penetrance (PMID: 7493025; PMID: 18403758). Heterozygous carriers of this variant were reported to be clinically indistinguishable from controls (PMID: 21835286). The variant was absent from 200 controls (PMID: 7493025), but is reported in the Genome Aggregation Database in five alleles at a frequency of 0.000074 in the European (non-Finnish) population (version 3.1.2). RNA isolated from patient cells showed that the splice donor variant resulted in skipping of exon 30, leading to premature truncation of the protein (PMID: 7493025; PMID: 17937428). Based on the available evidence, the c.3330+2T>G variant is classified as pathogenic for hypertrophic cardiomyopathy, but with variable expressivity and penetrance when present in a heterozygous state.

Blueprint Genetics
Classification: Pathogenic for MYBPC3-related disorders. Last evaluated: 2022-11-15. Review status: criteria provided, single submitter. Criteria: ACMG Guidelines, 2015. Collection method: clinical testing. Allele origin: germline. Affected: yes. Observed: 2 variant alleles.

Baylor Genetics
Classification: Pathogenic for Hypertrophic cardiomyopathy 4. Last evaluated: 2022-10-14. Review status: criteria provided, single submitter. Criteria: ACMG Guidelines, 2015. Collection method: clinical testing. Allele origin: unknown.

Baylor Genetics
Classification: Pathogenic for Left ventricular noncompaction 10. Last evaluated: 2022-10-14. Review status: criteria provided, single submitter. Criteria: ACMG Guidelines, 2015. Collection method: clinical testing. Allele origin: unknown.

Revvity Omics, Revvity
Classification: Pathogenic. Last evaluated: 2022-01-19. Review status: criteria provided, single submitter. Criteria: ACMG Guidelines, 2015. Collection method: clinical testing. Allele origin: germline.

Fulgent Genetics
Classification: Pathogenic for Hypertrophic cardiomyopathy 4; Left ventricular noncompaction 10. Last evaluated: 2021-11-05. Review status: criteria provided, single submitter. Criteria: ACMG Guidelines, 2015. Collection method: clinical testing. Allele origin: unknown.

AiLife Diagnostics
Classification: Pathogenic. Last evaluated: 2021-09-11. Review status: criteria provided, single submitter. Criteria: ACMG Guidelines, 2015. Collection method: clinical testing. Allele origin: germline. Affected: yes. Observed: 2 variant alleles.

GeneDx
Classification: Pathogenic. Last evaluated: 2020-11-19. Review status: criteria provided, single submitter. Criteria: GeneDx Variant Classification Process June 2021. Collection method: clinical testing. Allele origin: germline. Affected: yes.
Comment: Reported in the homozygous state in multiple Amish infants who presented with severe, neonatal HCM (Xin et al., 2007; Zahka et al., 2008); Not observed at a significant frequency in large population cohorts (gnomAD); Reported in ClinVar as a pathogenic/likely pathogenic variant (ClinVar Variant ID #8621; ClinVar); Canonical splice site variant in a gene for which loss-of-function is a known mechanism of disease; Destroys the canonical splice donor site of intron 30 and was shown to lead to an aberrant splice transcript due to skipping of exon 30, a shift in the reading frame, and premature termination of translation in exon 31 (Xin et al., 2007); This variant is associated with the following publications: (PMID: 25335496, 10424815, 23840593, 31451126, 17937428, 25031304, 23054336, 20542340, 26440533, 27688314, 26914223, 27532257, 28615295, 24510615, 18403758, 18467358, 21835286, 29212898, 29121657, 22464770, 21492761, 18533079, 12707239, 7493025, 31447099, 34570182, 33906374)

Human Genome Sequencing Center Clinical Lab, Baylor College of Medicine
Classification: Pathogenic for Familial hypertrophic cardiomyopathy 4. Last evaluated: 2019-07-08. Review status: criteria provided, single submitter. Criteria: ACMG Guidelines, 2015. Collection method: clinical testing. Allele origin: germline.
Comment: The c.3330+2T>G variant in the MYBPC3 gene is predicted to disrupt a canonical splice site and thus alter the wildtype mRNA splicing. This variant was reported in multiple individuals affected with hypertrophic cardiomyopathy in homozygous or heterozygous state (PMID 17937428, 18258667, 18403758, 18467358, 25031304). Analysis of cDNA extract from multiple carriers showed skipping of exon 30 as a result of this c.3330+2T>G change. Therefore, this c.3330+2T>G variant in the MYBPC3 gene is classified as pathogenic.

Laboratory for Molecular Medicine, Mass General Brigham Personalized Medicine
Classification: Pathogenic for Hypertrophic cardiomyopathy. Last evaluated: 2019-04-04. Review status: criteria provided, single submitter. Criteria: ACMG Guidelines, 2015. Collection method: clinical testing. Allele origin: germline. Inheritance: Autosomal dominant inheritance.
Comment: The c.3330+2T>G variant (also reported as IVS31+2T>G) in MYBPC3 has been identified in >10 homozygous Amish individuals with severe neonatal onset HCM, >10 heterozygous individuals with HCM, and segregated with disease in 1 affected relative (Morita 2008, Xin 2007, Zahka 2008, LMM data). One study found that 6 of 41 heterozygous individuals exhibited features of HCM or LVH, suggesting that it may be milder in isolation or have reduced penetrance (De 2011). This variant has been reported by other clinical laboratories in ClinVar (Variation ID 8621) and was also identified in 1/14944 European chromosomes by the Genome Aggregation Database (gnomAD; dbSNP rs387906397). c.3330+2T>G was demonstrated to cause abnormal splicing that resulted in the skipping of exon 30, which is predicted to lead to a frameshift beginning at codon 1064 and create a premature stop codon 38 amino acids downstream (Xin 2007, Morita 2008, Helms 2014). Heterozygous loss of function of the MYBPC3 gene is an established disease mechanism in HCM. In summary, this variant meets criteria to be classified as pathogenic for HCM, based on its recurrence in multiple affected individuals, extremely low frequency in the general population, functional evidence and predicted impact on the protein, although it may have reduced penetrance and variable expressivity in the heterozygous state. ACMG/AMP Criteria applied (Richards 2015): PS4, PM2, PVS1.

Center of Genomic medicine, Geneva, University Hospital of Geneva
Classification: Pathogenic for Hypertrophic cardiomyopathy 4. Last evaluated: 2017-03-24. Review status: criteria provided, single submitter. Criteria: ACMG Guidelines, 2015. Collection method: clinical testing. Allele origin: germline. Affected: yes.

Stanford Center for Inherited Cardiovascular Disease, Stanford University
Classification: Likely pathogenic. Last evaluated: 2014-08-12. Review status: criteria provided, single submitter. Criteria: ACMG Guidelines, 2015. Collection method: provider interpretation. Allele origin: germline.

OMIM
Classification: Pathogenic for CARDIOMYOPATHY, FAMILIAL HYPERTROPHIC, 4. Last evaluated: 2007-11-15. Review status: no assertion criteria provided. Collection method: literature only. Allele origin: germline. Not counted in ClinVar's aggregate classification.

Literature cited by the submitters: PubMed 17937428 (cited by 9 submitters); PubMed 18403758 (cited by 7 submitters); PubMed 18467358 (cited by 8 submitters); PubMed 21835286 (cited by 6 submitters); PubMed 25031304 (cited by 7 submitters); PubMed 19808356 (cited by Ambry Genetics); PubMed 23054336 (cited by Ambry Genetics); PubMed 24510615 (cited by Ambry Genetics); PubMed 27532257 (cited by Ambry Genetics and AiLife Diagnostics); PubMed 36162733 (cited by Color Diagnostics, LLC DBA Color Health); PubMed 25335496 (cited by Women's Health and Genetics/Laboratory Corporation of America, LabCorp); PubMed 7493025 (cited by Illumina Laboratory Services, Illumina); PubMed 29212898 (cited by AiLife Diagnostics); PubMed 26914223 (cited by AiLife Diagnostics); PubMed 29121657 (cited by AiLife Diagnostics); PubMed 31447099 (cited by AiLife Diagnostics).